The following is an entry in ClinVar:

NM_031418.4(ANO3):c.2767C>T (p.Leu923Phe)

Gene: ANO3 (anoctamin 3; plus strand). Cytogenetic location: 11p14.2.
Variant type: single nucleotide variant.
Coding change: c.2767C>T on transcript NM_031418.4 (MANE Select); coding-DNA position 2767, C replaced by T.
Protein change: p.Leu923Phe; replaces leucine 923 with phenylalanine.
Molecular consequence: missense variant.
Genome position (GRCh38, 1-based): chr11:26,660,265, C>T. VCF-style: chr11-26660265-C-T. GRCh37 (hg19) VCF-style: chr11-26681812-C-T.
Other names: c.2950C>T, p.Leu984Phe (NM_001313726.2); c.2329C>T, p.Leu777Phe (NM_001313727.2); c.2767C>T (NM_031418.2); short protein forms L777F, L923F, L984F.
Identifiers: ClinVar variation 871510 (VCV000871510.43), dbSNP rs117562279, ClinGen allele CA5926616.

ClinVar aggregate classification (germline): Uncertain significance. Review status: criteria provided, multiple submitters, no conflicts (2 of 4 stars). 3 submissions from 3 submitters: Uncertain significance (3). Last evaluated 2025-11-12.

Conditions:
Inborn genetic diseases. Identifiers: MedGen C0950123, MeSH D030342.
Dystonic disorder. Also called: Dystonia. Identifiers: MedGen C0013421, MONDO:0003441, HP:0001332.

Allele frequency attached by ClinVar (database versions not stated): gnomAD 0.00003; TOPMed 0.00003; gnomAD exomes 0.00005 and 0.00010; ExAC 0.00007; ESP Exome Variant Server 0.00008; 1000 Genomes Project 0.00020; 1000 Genomes Project 30x 0.00031.
gnomAD v4.1: 144 of 1,612,322 alleles (0.0089%); highest among the groups gnomAD compares: Non-Finnish European, 0.012%; no homozygotes.

Submissions (3):

Ambry Genetics
Classification: Uncertain significance for Inborn genetic diseases. Last evaluated: 2025-11-12. Review status: criteria provided, single submitter. Criteria: Ambry Variant Classification Scheme 2023. Collection method: clinical testing. Allele origin: germline.

Labcorp Genetics (formerly Invitae), Labcorp
Classification: Uncertain significance for Dystonic disorder. Last evaluated: 2024-06-19. Review status: criteria provided, single submitter. Criteria: Invitae Variant Classification Sherloc (09022015). Collection method: clinical testing. Allele origin: germline.
Comment: This sequence change replaces leucine, which is neutral and non-polar, with phenylalanine, which is neutral and non-polar, at codon 923 of the ANO3 protein (p.Leu923Phe). This variant is present in population databases (rs117562279, gnomAD 0.01%). This variant has not been reported in the literature in individuals affected with ANO3-related conditions. ClinVar contains an entry for this variant (Variation ID: 871510). Advanced modeling of protein sequence and biophysical properties (such as structural, functional, and spatial information, amino acid conservation, physicochemical variation, residue mobility, and thermodynamic stability) performed at Invitae indicates that this missense variant is not expected to disrupt ANO3 protein function with a negative predictive value of 80%. In summary, the available evidence is currently insufficient to determine the role of this variant in disease. Therefore, it has been classified as a Variant of Uncertain Significance.

CeGaT Center for Human Genetics Tuebingen
Classification: Uncertain significance. Last evaluated: 2022-09-01. Review status: criteria provided, single submitter. Criteria: CeGaT Center For Human Genetics Tuebingen Variant Classification Criteria Version 2. Collection method: clinical testing. Allele origin: germline. Affected: yes. Observed: 3 variant alleles.